The following is an entry in ClinVar:

NM_000264.5(PTCH1):c.2112C>A (p.Ser704Arg)

Genes: PTCH1 (patched 1; minus strand), LOC100507346 (uncharacterized LOC100507346; plus strand). Cytogenetic location: 9q22.32.
Variant type: single nucleotide variant.
Coding change: c.2112C>A on transcript NM_000264.5 (MANE Select); coding-DNA position 2112, C replaced by A.
Protein change: p.Ser704Arg; replaces serine 704 with arginine.
Molecular consequence: missense variant. On other transcripts: non-coding transcript variant (2).
Genome position (GRCh38, 1-based): chr9:95,468,889, G>T on the plus strand (C>A on the coding strand, the complement: PTCH1 is on the minus strand). VCF-style: chr9-95468889-G-T. GRCh37 (hg19) VCF-style: chr9-98231171-G-T.
Other names: c.1914C>A, p.Ser638Arg (NM_001083602.3); c.2109C>A, p.Ser703Arg (NM_001083603.3); c.1659C>A, p.Ser553Arg (NM_001083604.3, NM_001083605.3, NM_001083606.3 and 1 more transcripts); c.1956C>A, p.Ser652Arg (NM_001354918.2); short protein forms S553R, S638R, S703R, S704R, S652R.
Identifiers: ClinVar variation 2815869 (VCV002815869.3), dbSNP rs2118036735, ClinGen allele CA374115631.

ClinVar aggregate classification (germline): Uncertain significance (1 of 4 stars; one submission).

Conditions:
Gorlin syndrome. Also called: Nevoid Basal Cell Carcinoma Syndrome; Basal cell nevus syndrome. Identifiers: Orphanet 377, MedGen C0004779, MONDO:0007187.

Submission:

Labcorp Genetics (formerly Invitae), Labcorp
Classification: Uncertain significance for Gorlin syndrome. Last evaluated: 2022-11-23. Review status: criteria provided, single submitter. Criteria: Invitae Variant Classification Sherloc (09022015). Collection method: clinical testing. Allele origin: germline.
Comment: In summary, the available evidence is currently insufficient to determine the role of this variant in disease. Therefore, it has been classified as a Variant of Uncertain Significance. Advanced modeling of protein sequence and biophysical properties (such as structural, functional, and spatial information, amino acid conservation, physicochemical variation, residue mobility, and thermodynamic stability) performed at Invitae indicates that this missense variant is not expected to disrupt PTCH1 protein function. This variant has not been reported in the literature in individuals affected with PTCH1-related conditions. This variant is not present in population databases (gnomAD no frequency). This sequence change replaces serine, which is neutral and polar, with arginine, which is basic and polar, at codon 704 of the PTCH1 protein (p.Ser704Arg).